The following is an entry in ClinVar:

ClinVar aggregate classification (germline): Uncertain significance. Review status: criteria provided, single submitter (1 of 4 stars). 2 submissions from 2 submitters: Uncertain significance (1). 1 of the submissions does not count toward it.

Conditions:
Diabetes mellitus, permanent neonatal 4. Also called: INS-Related Permanent Neonatal Diabetes Mellitus. Identifiers: MedGen C5394307, MONDO:0030089, OMIM 618858.
Hyperproinsulinemia. Identifiers: MedGen C0342283, MONDO:0014535, OMIM 616214.

Submissions (2):

Clinical Genomics, Uppaluri K&H Personalized Medicine Clinic
Classification: Uncertain significance for Diabetes mellitus, permanent neonatal 4. Review status: criteria provided, single submitter. Criteria: K & H Uppaluri Personalized Medicine Clinic Variant Classification & Assertion Criteria_Updated V.1. Collection method: research. Allele origin: unknown. Inheritance: Autosomal dominant inheritance.
Comment: Potent mutations in INS gene can cause early onset diabetes mellitus which is insulin dependent. May have poor response to sulfonylureas, as potent mutations in this gene can cause beta cell destruction. rs121918102 variant is Prevalent in patients with Neonatal insulin-dependent diabetes mellitus. However, the role of this particular variant is yet to be ascertained

OMIM
Classification: Pathogenic for HYPERPROINSULINEMIA. Last evaluated: 1986-12-01. Review status: no assertion criteria provided. Collection method: literature only. Allele origin: germline. Not counted in ClinVar's aggregate classification.

Literature cited by the submitters: PubMed 25542748 (cited by Clinical Genomics, Uppaluri K&H Personalized Medicine Clinic); PubMed 6339950 (cited by OMIM); PubMed 3511099 (cited by OMIM); PubMed 3537011 (cited by OMIM).

NM_000207.3(INS):c.274G>T (p.Val92Leu)

Genes: INS (insulin; minus strand), INS-IGF2 (INS-IGF2 readthrough; minus strand). Cytogenetic location: 11p15.5.
Variant type: single nucleotide variant.
Coding change: c.274G>T on transcript NM_000207.3 (MANE Select); coding-DNA position 274, G replaced by T.
Protein change: p.Val92Leu; replaces valine 92 with leucine.
Molecular consequence: missense variant. On other transcripts: intron variant (1).
Genome position (GRCh38, 1-based): chr11:2,159,911, C>A on the plus strand (G>T on the coding strand, the complement: INS is on the minus strand). VCF-style: chr11-2159911-C-A. GRCh37 (hg19) VCF-style: chr11-2181141-C-A.
Other names: V3L; c.274G>T, p.Val92Leu (NM_001185097.2, NM_001185098.2, NM_001291897.2); c.187+874G>T (NM_001042376.3); short protein forms V92L.
Identifiers: ClinVar variation 13381 (VCV000013381.2), dbSNP rs121918102, ClinGen allele CA123080.